The following is an entry in ClinVar:

ClinVar aggregate classification (germline): Conflicting classifications of pathogenicity. Review status: criteria provided, conflicting classifications (1 of 4 stars). 5 submissions from 5 submitters: Uncertain significance (3); Likely benign (1). 1 of the submissions does not count toward it. Last evaluated 2025-07-31.

Conditions:
Mosaic variegated aneuploidy syndrome 1 (MVA1). Also called: Warburton-Anyane-Yeboa syndrome. Identifiers: Orphanet 1052, MedGen C1850343, MONDO:0009759, OMIM 257300.
Microcephaly. Also called: Microcephaly (disease). Identifiers: MedGen C4551563, MONDO:0001149, HP:0000252.
Inborn genetic diseases. Identifiers: MedGen C0950123, MeSH D030342.

Allele frequency attached by ClinVar (database versions not stated): gnomAD exomes 0.00005 and 0.00019; ExAC 0.00025; TOPMed 0.00043; gnomAD 0.00045; ESP Exome Variant Server 0.00069; 1000 Genomes Project 30x 0.00094; 1000 Genomes Project 0.00120.
gnomAD v4.1: 134 of 1,614,092 alleles (0.0083%); highest among the groups gnomAD compares: African/African-American, 0.14%; no homozygotes.

Submissions (5):

Labcorp Genetics (formerly Invitae), Labcorp
Classification: Uncertain significance for Mosaic variegated aneuploidy syndrome 1. Last evaluated: 2025-07-31. Review status: criteria provided, single submitter. Criteria: Invitae Variant Classification Sherloc (09022015). Collection method: clinical testing. Allele origin: germline.
Comment: This sequence change replaces glycine, which is neutral and non-polar, with serine, which is neutral and polar, at codon 929 of the BUB1B protein (p.Gly929Ser). This variant is present in population databases (rs143232848, gnomAD 0.2%). This variant has not been reported in the literature in individuals affected with BUB1B-related conditions. ClinVar contains an entry for this variant (Variation ID: 403742). An algorithm developed to predict the effect of missense changes on protein structure and function (PolyPhen-2) suggests that this variant is likely to be disruptive. In summary, the available evidence is currently insufficient to determine the role of this variant in disease. Therefore, it has been classified as a Variant of Uncertain Significance.

GeneDx
Classification: Uncertain significance. Last evaluated: 2024-08-18. Review status: criteria provided, single submitter. Criteria: GeneDx Variant Classification Process June 2021. Collection method: clinical testing. Allele origin: germline. Affected: yes.
Comment: In silico analysis indicates that this missense variant does not alter protein structure/function; Has not been previously published as pathogenic or benign to our knowledge; This variant is associated with the following publications: (PMID: 26740555, 28719003)

Ambry Genetics
Classification: Likely benign for Inborn genetic diseases. Last evaluated: 2022-10-15. Review status: criteria provided, single submitter. Criteria: Ambry Variant Classification Scheme 2023. Collection method: clinical testing. Allele origin: germline.

Eurofins Ntd Llc (ga)
Classification: Uncertain significance. Last evaluated: 2018-05-29. Review status: criteria provided, single submitter. Criteria: EGL ClinVar v180209 classification definitions. Collection method: clinical testing. Allele origin: germline. Observed: 1 variant allele, 1 heterozygote.

Department of Pediatrics, Samsung Medical Center, Samsung Medical Center
Classification: Uncertain significance for Microcephaly. Review status: no assertion criteria provided. Criteria: ACMG Guidelines, 2015. Collection method: research. Allele origin: germline. Affected: yes. Not counted in ClinVar's aggregate classification.

NM_001211.6(BUB1B):c.2785G>A (p.Gly929Ser)

Genes: BUB1B (BUB1 mitotic checkpoint serine/threonine kinase B; plus strand), BUB1B-PAK6 (BUB1B-PAK6 readthrough; plus strand). Cytogenetic location: 15q15.1.
Variant type: single nucleotide variant.
Coding change: c.2785G>A on transcript NM_001211.6 (MANE Select); coding-DNA position 2785, G replaced by A.
Protein change: p.Gly929Ser; replaces glycine 929 with serine.
Molecular consequence: missense variant. On other transcripts: 5 prime UTR variant (2).
Genome position (GRCh38, 1-based): chr15:40,217,602, G>A. VCF-style: chr15-40217602-G-A. GRCh37 (hg19) VCF-style: chr15-40509803-G-A.
Other names: c.-266G>A (NM_001128628.3); c.-183G>A (NM_001128629.3); short protein forms G929S.
Identifiers: ClinVar variation 403742 (VCV000403742.19), dbSNP rs143232848, ClinGen allele CA7476124.